The following is an entry in ClinVar:

NM_032575.3(GLIS2):c.*232T>G

Gene: GLIS2 (GLIS family zinc finger 2; plus strand). Cytogenetic location: 16p13.3.
Variant type: single nucleotide variant.
Coding change: c.*232T>G on transcript NM_032575.3 (MANE Select); 232 bases downstream of the stop codon, T replaced by G.
Molecular consequence: 3 prime UTR variant.
Genome position (GRCh38, 1-based): chr16:4,337,756, T>G. VCF-style: chr16-4337756-T-G. GRCh37 (hg19) VCF-style: chr16-4387757-T-G.
Other names: c.*232T>G (NM_001318918.2).
Identifiers: ClinVar variation 319233 (VCV000319233.8), dbSNP rs114705511, ClinGen allele CA10647477.

ClinVar aggregate classification (germline): Benign/Likely benign. Review status: criteria provided, multiple submitters, no conflicts (2 of 4 stars). 3 submissions from 3 submitters: Benign (1); Likely benign (2). Last evaluated 2019-10-07.

Conditions:
Nephronophthisis 7 (NPHP7). Identifiers: Orphanet 655, MedGen C1969092, MONDO:0012680, OMIM 611498.

Allele frequency attached by ClinVar (database versions not stated): gnomAD 0.01317 and 0.01230; 1000 Genomes Project 30x 0.01359; TOPMed 0.01366; 1000 Genomes Project 0.01298; gnomAD exomes 0.00231.

Submissions (3):

GeneDx
Classification: Likely benign. Last evaluated: 2019-10-07. Review status: criteria provided, single submitter. Criteria: GeneDx Variant Classification Process June 2021. Collection method: clinical testing. Allele origin: germline. Affected: yes.

Illumina Laboratory Services, Illumina
Classification: Benign for Nephronophthisis 7. Last evaluated: 2018-01-12. Review status: criteria provided, single submitter. Criteria: ICSL Variant Classification Criteria 13 December 2019. Collection method: clinical testing. Allele origin: germline.
Comment: This variant was observed in the ICSL laboratory as part of a predisposition screen in an ostensibly healthy population. It had not been previously curated by ICSL or reported in the Human Gene Mutation Database (HGMD: prior to June 1st, 2018), and was therefore a candidate for classification through an automated scoring system. Utilizing variant allele frequency, disease prevalence and penetrance estimates, and inheritance mode, an automated score was calculated to assess if this variant is too frequent to cause the disease. Based on the score and internal cut-off values, a variant classified as benign is not then subjected to further curation. The score for this variant resulted in a classification of benign for this disease.

Breakthrough Genomics
Classification: Likely benign. Review status: criteria provided, single submitter. Criteria: ACMG Guidelines, 2015. Collection method: not provided. Allele origin: germline. Inheritance: Unknown mechanism. Affected: yes.